The following is an entry in ClinVar:

NM_022455.5(NSD1):c.7623G>T (p.Gln2541His)

Gene: NSD1 (nuclear receptor binding SET domain protein 1; plus strand). Cytogenetic location: 5q35.3.
Variant type: single nucleotide variant.
Coding change: c.7623G>T on transcript NM_022455.5 (MANE Select); coding-DNA position 7623, G replaced by T.
Protein change: p.Gln2541His; replaces glutamine 2541 with histidine.
Molecular consequence: missense variant.
Genome position (GRCh38, 1-based): chr5:177,294,991, G>T. VCF-style: chr5-177294991-G-T. GRCh37 (hg19) VCF-style: chr5-176721992-G-T.
Other names: c.6750G>T, p.Gln2250His (NM_001365684.2, NM_001409308.1, NM_172349.5); c.7623G>T, p.Gln2541His (NM_001409301.1, NM_001409302.1, NM_001409303.1); c.7203G>T, p.Gln2401His (NM_001409304.1); c.6870G>T, p.Gln2290His (NM_001409305.1); c.6861G>T, p.Gln2287His (NM_001409306.1, NM_001409307.1); c.6501G>T, p.Gln2167His (NM_001409309.1); short protein forms Q2167H, Q2250H, Q2287H, Q2290H, Q2401H, Q2541H.
Identifiers: ClinVar variation 3381321 (VCV003381321.1).

ClinVar aggregate classification (germline): Uncertain significance (1 of 4 stars; one submission).

Submission:

GeneDx
Classification: Uncertain significance. Last evaluated: 2024-05-23. Review status: criteria provided, single submitter. Criteria: GeneDx Variant Classification Process June 2021. Collection method: clinical testing. Allele origin: germline. Affected: yes.
Comment: Not observed at significant frequency in large population cohorts (gnomAD); In silico analysis indicates that this missense variant does not alter protein structure/function; Has not been previously published as pathogenic or benign to our knowledge